The following is an entry in ClinVar:

ClinVar aggregate classification (germline): Uncertain significance (1 of 4 stars; one submission).

Allele frequency attached by ClinVar (database versions not stated): ExAC 0.00002.
gnomAD v4.1: 5 of 1,611,896 alleles (0.00031%); highest among the groups gnomAD compares: Non-Finnish European, 0.00042%; no homozygotes.

Submission:

Labcorp Genetics (formerly Invitae), Labcorp
Classification: Uncertain significance. Last evaluated: 2023-08-04. Review status: criteria provided, single submitter. Criteria: Invitae Variant Classification Sherloc (09022015). Collection method: clinical testing. Allele origin: germline.
Comment: This variant has not been reported in the literature in individuals affected with TNFRSF9-related conditions. This sequence change replaces aspartic acid, which is acidic and polar, with histidine, which is basic and polar, at codon 119 of the TNFRSF9 protein (p.Asp119His). This variant is present in population databases (rs763203873, gnomAD 0.003%). An algorithm developed to predict the effect of missense changes on protein structure and function (PolyPhen-2) suggests that this variant is likely to be disruptive. In summary, the available evidence is currently insufficient to determine the role of this variant in disease. Therefore, it has been classified as a Variant of Uncertain Significance.

NM_001561.6(TNFRSF9):c.355G>C (p.Asp119His)

Gene: TNFRSF9 (TNF receptor superfamily member 9; minus strand). Cytogenetic location: 1p36.23.
Variant type: single nucleotide variant.
Coding change: c.355G>C on transcript NM_001561.6 (MANE Select); coding-DNA position 355, G replaced by C.
Protein change: p.Asp119His; replaces aspartic acid 119 with histidine.
Molecular consequence: missense variant.
Genome position (GRCh38, 1-based): chr1:7,937,748, C>G on the plus strand (G>C on the coding strand, the complement: TNFRSF9 is on the minus strand). VCF-style: chr1-7937748-C-G. GRCh37 (hg19) VCF-style: chr1-7997808-C-G.
Other names: short protein forms D119H.
Identifiers: ClinVar variation 2871174 (VCV002871174.3), dbSNP rs763203873, ClinGen allele CA569247.